The following is an entry in ClinVar:

ClinVar aggregate classification (germline): Uncertain significance. Review status: criteria provided, multiple submitters, no conflicts (2 of 4 stars). 2 submissions from 2 submitters: Uncertain significance (2). Last evaluated 2025-12-02.

Conditions:
Inborn genetic diseases. Identifiers: MedGen C0950123, MeSH D030342.

Allele frequency attached by ClinVar (database versions not stated): TOPMed below 0.00001; gnomAD exomes 0.00001.

Submissions (2):

Ambry Genetics
Classification: Uncertain significance for Inborn genetic diseases. Last evaluated: 2025-12-02. Review status: criteria provided, single submitter. Criteria: Ambry Variant Classification Scheme 2023. Collection method: clinical testing. Allele origin: germline.

Labcorp Genetics (formerly Invitae), Labcorp
Classification: Uncertain significance. Last evaluated: 2023-03-17. Review status: criteria provided, single submitter. Criteria: Invitae Variant Classification Sherloc (09022015). Collection method: clinical testing. Allele origin: germline.
Comment: In summary, the available evidence is currently insufficient to determine the role of this variant in disease. Therefore, it has been classified as a Variant of Uncertain Significance. Advanced modeling of protein sequence and biophysical properties (such as structural, functional, and spatial information, amino acid conservation, physicochemical variation, residue mobility, and thermodynamic stability) performed at Invitae indicates that this missense variant is not expected to disrupt WNT10B protein function. This variant has not been reported in the literature in individuals affected with WNT10B-related conditions. This variant is present in population databases (no rsID available, gnomAD 0.006%). This sequence change replaces lysine, which is basic and polar, with asparagine, which is neutral and polar, at codon 35 of the WNT10B protein (p.Lys35Asn).

NM_003394.4(WNT10B):c.105G>T (p.Lys35Asn)

Gene: WNT10B (Wnt family member 10B; minus strand). Cytogenetic location: 12q13.12.
Variant type: single nucleotide variant.
Coding change: c.105G>T on transcript NM_003394.4 (MANE Select); coding-DNA position 105, G replaced by T.
Protein change: p.Lys35Asn; replaces lysine 35 with asparagine.
Molecular consequence: missense variant.
Genome position (GRCh38, 1-based): chr12:48,970,321, C>A on the plus strand (G>T on the coding strand, the complement: WNT10B is on the minus strand). VCF-style: chr12-48970321-C-A. GRCh37 (hg19) VCF-style: chr12-49364104-C-A.
Other names: c.105G>T (NM_003394.3); short protein forms K35N.
Identifiers: ClinVar variation 2964805 (VCV002964805.2), dbSNP rs941734373, ClinGen allele CA236629887.
Genomic context (GRCh38, chr12:48,970,321, plus strand): 5'-GCTCAGGCCGGACAGCGTCAAGCACACGGTGTTGGCCGTCAGCGGCGGCTCGCCAGGCAA[C>A]TTCAGGCCCAGAATCTCATTGCTTAGAGCCCTGGGAACCAAGAAGGCGTCTGGGGTCTGC-3'
Protein context (NP_003385.2, residues 25-45): RALSNEILGL[Lys35Asn]LPGEPPLTAN